The following is an entry in ClinVar:

ClinVar aggregate classification (germline): Likely benign (1 of 4 stars; one submission).

Conditions:
Ataxia, early-onset, with oculomotor apraxia and hypoalbuminemia (EAOH). Also called: ATAXIA-OCULOMOTOR APRAXIA SYNDROME; ATAXIA-TELANGIECTASIA-LIKE SYNDROME; Ataxia-oculomotor apraxia type 1. Identifiers: Orphanet 1168, MedGen C1859598, MONDO:0008842, OMIM 208920.

Allele frequency attached by ClinVar (database versions not stated): gnomAD 0.00070 and 0.00082; TOPMed 0.00080; 1000 Genomes Project 0.00160; gnomAD exomes 0.00184 and 0.00186; 1000 Genomes Project 30x 0.00219; ExAC 0.00366.
gnomAD v4.1: 810 of 531,222 alleles (0.15%); highest among the groups gnomAD compares: South Asian, 0.53%; 5 homozygotes.

Submission:

Illumina Laboratory Services, Illumina
Classification: Likely benign for Ataxia, early-onset, with oculomotor apraxia and hypoalbuminemia. Last evaluated: 2018-01-13. Review status: criteria provided, single submitter. Criteria: ICSL Variant Classification Criteria 13 December 2019. Collection method: clinical testing. Allele origin: germline.
Comment: This variant was observed in the ICSL laboratory as part of a predisposition screen in an ostensibly healthy population. It had not been previously curated by ICSL or reported in the Human Gene Mutation Database (HGMD: prior to June 1st, 2018), and was therefore a candidate for classification through an automated scoring system. Utilizing variant allele frequency, disease prevalence and penetrance estimates, and inheritance mode, an automated score was calculated to assess if this variant is too frequent to cause the disease. Based on the score and internal cut-off values, a variant classified as likely benign is not then subjected to further curation. The score for this variant resulted in a classification of likely benign for this disease.

NM_001195248.2(APTX):c.*293C>G

Gene: APTX (aprataxin; minus strand). Cytogenetic location: 9p21.1.
Variant type: single nucleotide variant.
Coding change: c.*293C>G on transcript NM_001195248.2 (MANE Select); 293 bases downstream of the stop codon, C replaced by G.
Molecular consequence: 3 prime UTR variant. On other transcripts: non-coding transcript variant (13).
Genome position (GRCh38, 1-based): chr9:32,973,205, G>C on the plus strand (C>G on the coding strand, the complement: APTX is on the minus strand). VCF-style: chr9-32973205-G-C. GRCh37 (hg19) VCF-style: chr9-32973203-G-C.
Other names: c.*293C>G (NM_001195249.2, NM_001195250.2, NM_001195252.2 and 15 more transcripts); c.*479C>G (NM_001195251.2, NM_001368999.1, NM_001369006.1 and 1 more transcripts).
Identifiers: ClinVar variation 913884 (VCV000913884.4), dbSNP rs532688347, ClinGen allele CA5022204.
Genomic context (GRCh38, chr9:32,973,205, plus strand): 5'-TCTAAGAAACAGAAATGTATAACCAGCCCAATGCTTCCATACTCTGCATTAGGTCAGTGT[G>C]AACATGGCTTTGCTCCCAATGGTCAGACCTGACATGGGTCCTTCTGAAGATGGTGGGTCA-3'